The following is an entry in ClinVar:

NM_003185.4(TAF4):c.1156C>T (p.Pro386Ser)

Gene: TAF4 (TATA-box binding protein associated factor 4; minus strand). Cytogenetic location: 20q13.33.
Variant type: single nucleotide variant.
Coding change: c.1156C>T on transcript NM_003185.4 (MANE Select); coding-DNA position 1156, C replaced by T.
Protein change: p.Pro386Ser; replaces proline 386 with serine.
Molecular consequence: missense variant.
Genome position (GRCh38, 1-based): chr20:62,064,655, G>A on the plus strand (C>T on the coding strand, the complement: TAF4 is on the minus strand). VCF-style: chr20-62064655-G-A. GRCh37 (hg19) VCF-style: chr20-60639711-G-A.
Other names: short protein forms P386S.
Identifiers: ClinVar variation 4883691 (VCV004883691.2).

ClinVar aggregate classification (germline): Uncertain significance (1 of 4 stars; one submission).

Submission:

Dasa
Classification: Uncertain significance. Last evaluated: 2025-01-25. Review status: criteria provided, single submitter. Criteria: DASA Assertion Criteria. Collection method: clinical testing. Allele origin: germline.
Comment: NM_003185.4(TAF4):c.1156C>T (p.Pro386Ser) is a missense variant that results in the substitution of proline with serine. This variant is rare in population databases. Computational prediction algorithms are consistent with a benign effect. The currently available literature and clinical evidence are not sufficient to establish a definitive association between this variant and the reported condition. Therefore, this variant is classified as a variant of uncertain significance.